The following is an entry in ClinVar:

ClinVar aggregate classification (germline): Uncertain significance. Review status: criteria provided, multiple submitters, no conflicts (2 of 4 stars). 2 submissions from 2 submitters: Uncertain significance (2). Last evaluated 2025-02-27.

Submissions (2):

GeneDx
Classification: Uncertain significance. Last evaluated: 2025-02-27. Review status: criteria provided, single submitter. Criteria: GeneDx Variant Classification Process June 2021. Collection method: clinical testing. Allele origin: germline. Affected: yes.
Comment: Not observed at significant frequency in large population cohorts (gnomAD); In silico analysis supports that this missense variant has a deleterious effect on protein structure/function; Has not been previously published as pathogenic or benign to our knowledge

CeGaT Center for Human Genetics Tuebingen
Classification: Uncertain significance. Last evaluated: 2022-06-01. Review status: criteria provided, single submitter. Criteria: CeGaT Center For Human Genetics Tuebingen Variant Classification Criteria Version 2. Collection method: clinical testing. Allele origin: germline. Affected: yes. Observed: 1 variant allele.
Comment: ZNF292: PM2

NM_015021.3(ZNF292):c.6329C>T (p.Pro2110Leu)

Gene: ZNF292 (zinc finger protein 292; plus strand). Cytogenetic location: 6q14.3.
Variant type: single nucleotide variant.
Coding change: c.6329C>T on transcript NM_015021.3 (MANE Select); coding-DNA position 6329, C replaced by T.
Protein change: p.Pro2110Leu; replaces proline 2110 with leucine.
Molecular consequence: missense variant.
Genome position (GRCh38, 1-based): chr6:87,259,958, C>T. VCF-style: chr6-87259958-C-T. GRCh37 (hg19) VCF-style: chr6-87969676-C-T.
Other names: c.5909C>T, p.Pro1970Leu (NM_001351444.2); c.6329C>T (NM_015021.1); short protein forms P1970L, P2110L.
Identifiers: ClinVar variation 1695163 (VCV001695163.32), dbSNP rs2127872385, ClinGen allele CA364937617.